The following is an entry in ClinVar:

ClinVar aggregate classification (germline): Benign/Likely benign. Review status: criteria provided, multiple submitters, no conflicts (2 of 4 stars). 7 submissions from 7 submitters: Benign (2); Likely benign (5). Last evaluated 2026-07-01.

Conditions:
Cerebellar ataxia, impaired intellectual development, and dysequilibrium syndrome 1. Also called: VLDLR Cerebellar Hypoplasia; Cerebellar hypoplasia and mental retardation with or without quadrupedal locomotion 1; CEREBELLAR ATAXIA AND MENTAL RETARDATION WITH OR WITHOUT QUADRUPEDAL LOCOMOTION 1; CEREBELLAR ATAXIA, CONGENITAL, AND MENTAL RETARDATION, AUTOSOMAL RECESSIVE; Cerebellar ataxia, mental retardation, and dysequilibrium syndrome 1; Cerebellar ataxia, intellectual disability, and dysequilibrium syndrome 1. Identifiers: Orphanet 1766, MedGen C4551552, MONDO:0024542, OMIM 224050.

Allele frequency attached by ClinVar (database versions not stated): gnomAD 0.00020 and 0.00028; TOPMed 0.00028; 1000 Genomes Project 0.00220; ESP Exome Variant Server 0.00008; ExAC 0.00045; 1000 Genomes Project 30x 0.00219; gnomAD exomes 0.00061.
gnomAD v4.1: 324 of 1,614,176 alleles (0.02%); highest among the groups gnomAD compares: East Asian, 0.38%; no homozygotes.

Submissions (7):

CeGaT Center for Human Genetics Tuebingen
Classification: Likely benign. Last evaluated: 2026-07-01. Review status: criteria provided, single submitter. Criteria: CeGaT Center For Human Genetics Tuebingen Variant Classification Criteria Version 2. Collection method: clinical testing. Allele origin: germline. Affected: yes. Observed: 3 variant alleles.
Comment: VLDLR: BP4, BP7

Labcorp Genetics (formerly Invitae), Labcorp
Classification: Benign. Last evaluated: 2026-01-26. Review status: criteria provided, single submitter. Criteria: Invitae Variant Classification Sherloc (09022015). Collection method: clinical testing. Allele origin: germline.

Mayo Clinic Laboratories, Mayo Clinic
Classification: Benign. Last evaluated: 2025-07-14. Review status: criteria provided, single submitter. Criteria: ACMG Guidelines, 2015. Collection method: clinical testing. Allele origin: germline. Observed: 2 variant alleles.
Comment: BA1, BS1, BP4, BP7

Blueprint Genetics
Classification: Likely benign. Last evaluated: 2024-09-17. Review status: criteria provided, single submitter. Criteria: ACMG Guidelines, 2015. Collection method: clinical testing. Allele origin: germline.

Illumina Laboratory Services, Illumina
Classification: Likely benign for Cerebellar ataxia, impaired intellectual development, and dysequilibrium syndrome 1. Last evaluated: 2018-01-13. Review status: criteria provided, single submitter. Criteria: ICSL Variant Classification Criteria 13 December 2019. Collection method: clinical testing. Allele origin: germline.
Comment: This variant was observed in the ICSL laboratory as part of a predisposition screen in an ostensibly healthy population. It had not been previously curated by ICSL or reported in the Human Gene Mutation Database (HGMD: prior to June 1st, 2018), and was therefore a candidate for classification through an automated scoring system. Utilizing variant allele frequency, disease prevalence and penetrance estimates, and inheritance mode, an automated score was calculated to assess if this variant is too frequent to cause the disease. Based on the score and internal cut-off values, a variant classified as likely benign is not then subjected to further curation. The score for this variant resulted in a classification of likely benign for this disease.

Genetic Services Laboratory, University of Chicago
Classification: Likely benign. Last evaluated: 2016-04-25. Review status: criteria provided, single submitter. Criteria: ACMG Guidelines, 2015. Collection method: clinical testing. Allele origin: germline. Affected: no.

Breakthrough Genomics
Classification: Likely benign. Review status: criteria provided, single submitter. Criteria: ACMG Guidelines, 2015. Collection method: not provided. Allele origin: germline. Inheritance: Autosomal recessive inheritance. Affected: yes.

NM_003383.5(VLDLR):c.738C>T (p.Cys246=)

Gene: VLDLR (very low density lipoprotein receptor; plus strand). Cytogenetic location: 9p24.2.
Variant type: single nucleotide variant.
Coding change: c.738C>T on transcript NM_003383.5 (MANE Select); coding-DNA position 738, C replaced by T.
Protein change: p.Cys246=; no amino-acid change (cysteine 246 retained).
Molecular consequence: synonymous variant.
Genome position (GRCh38, 1-based): chr9:2,643,449, C>T. VCF-style: chr9-2643449-C-T. GRCh37 (hg19) VCF-style: chr9-2643449-C-T.
Other names: p.Cys246=; c.738C>T, p.Cys246= (NM_001018056.3); c.615C>T, p.Cys205= (NM_001322225.2, NM_001322226.2).
Identifiers: ClinVar variation 437220 (VCV000437220.45), dbSNP rs116687040, ClinGen allele CA4964616.